The following is an entry in ClinVar:

NM_006231.4(POLE):c.852G>C (p.Lys284Asn)

Gene: POLE (DNA polymerase epsilon, catalytic subunit; minus strand). Cytogenetic location: 12q24.33.
Variant type: single nucleotide variant.
Coding change: c.852G>C on transcript NM_006231.4 (MANE Select); coding-DNA position 852, G replaced by C.
Protein change: p.Lys284Asn; replaces lysine 284 with asparagine.
Molecular consequence: missense variant.
Genome position (GRCh38, 1-based): chr12:132,676,603, C>G on the plus strand (G>C on the coding strand, the complement: POLE is on the minus strand). VCF-style: chr12-132676603-C-G. GRCh37 (hg19) VCF-style: chr12-133253189-C-G.
Other names: short protein forms K284N.
Identifiers: ClinVar variation 837778 (VCV000837778.10), dbSNP rs1351316877, ClinGen allele CA387364287.
Genomic context (GRCh38, chr12:132,676,603, plus strand): 5'-CACCTGGCCATCGATCATGTAGGAAATCATCATAATCTGGTCTGTCTCAGCATCAGGAAA[C>G]TTGAGGGGCAGTTTGGTCGTCTCAATGTCAAATGCCAAAACCACAGGGTCCTGTGGGGAC-3'
Protein context (NP_006222.2, residues 274-294): FDIETTKLPL[Lys284Asn]FPDAETDQIM

ClinVar aggregate classification (germline): Uncertain significance (1 of 4 stars; one submission).

Submission:

Labcorp Genetics (formerly Invitae), Labcorp
Classification: Uncertain significance. Last evaluated: 2019-12-27. Review status: criteria provided, single submitter. Criteria: Invitae Variant Classification Sherloc (09022015). Collection method: clinical testing. Allele origin: germline.
Comment: In summary, the available evidence is currently insufficient to determine the role of this variant in disease. Therefore, it has been classified as a Variant of Uncertain Significance. Algorithms developed to predict the effect of missense changes on protein structure and function (SIFT, PolyPhen-2, Align-GVGD) all suggest that this variant is likely to be disruptive, but these predictions have not been confirmed by published functional studies and their clinical significance is uncertain. This variant has not been reported in the literature in individuals with POLE-related conditions. This variant is not present in population databases (ExAC no frequency). This sequence change replaces lysine with asparagine at codon 284 of the POLE protein (p.Lys284Asn). The lysine residue is highly conserved and there is a moderate physicochemical difference between lysine and asparagine.